The following is an entry in ClinVar:

NM_001256789.3(CACNA1F):c.2395G>C (p.Glu799Gln)

Gene: CACNA1F (calcium voltage-gated channel subunit alpha1 F; minus strand). Cytogenetic location: Xp11.23.
Variant type: single nucleotide variant.
Coding change: c.2395G>C on transcript NM_001256789.3 (MANE Select); coding-DNA position 2395, G replaced by C.
Protein change: p.Glu799Gln; replaces glutamic acid 799 with glutamine.
Molecular consequence: missense variant.
Genome position (GRCh38, 1-based): chrX:49,219,782, C>G on the plus strand (G>C on the coding strand, the complement: CACNA1F is on the minus strand). VCF-style: chrX-49219782-C-G. GRCh37 (hg19) VCF-style: chrX-49076241-C-G.
Other names: c.2428G>C (NM_005183.2); c.2233G>C, p.Glu745Gln (NM_001256790.3); c.2428G>C, p.Glu810Gln (NM_005183.4); short protein forms E745Q, E810Q, E799Q.
Identifiers: ClinVar variation 1045835 (VCV001045835.9), dbSNP rs1403532021, ClinGen allele CA412965802.

ClinVar aggregate classification (germline): Uncertain significance. Review status: criteria provided, multiple submitters, no conflicts (2 of 4 stars). 2 submissions from 2 submitters: Uncertain significance (2). Last evaluated 2025-02-08.

Conditions:
Inborn genetic diseases. Identifiers: MedGen C0950123, MeSH D030342.

Allele frequency attached by ClinVar (database versions not stated): TOPMed 0.00001; gnomAD 0.00002.
gnomAD v4.1: 7 of 1,092,256 alleles (0.00064%); highest among the groups gnomAD compares: Non-Finnish European, 0.00087%; no homozygotes.

Submissions (2):

Ambry Genetics
Classification: Uncertain significance for Inborn genetic diseases. Last evaluated: 2025-02-08. Review status: criteria provided, single submitter. Criteria: Ambry Variant Classification Scheme 2023. Collection method: clinical testing. Allele origin: germline.

Labcorp Genetics (formerly Invitae), Labcorp
Classification: Uncertain significance. Last evaluated: 2024-09-21. Review status: criteria provided, single submitter. Criteria: Invitae Variant Classification Sherloc (09022015). Collection method: clinical testing. Allele origin: germline.
Comment: This sequence change replaces glutamic acid, which is acidic and polar, with glutamine, which is neutral and polar, at codon 810 of the CACNA1F protein (p.Glu810Gln). The frequency data for this variant in the population databases is considered unreliable, as metrics indicate poor data quality at this position in the gnomAD database. This variant has not been reported in the literature in individuals affected with CACNA1F-related conditions. ClinVar contains an entry for this variant (Variation ID: 1045835). An algorithm developed to predict the effect of missense changes on protein structure and function (PolyPhen-2) suggests that this variant is likely to be tolerated. In summary, the available evidence is currently insufficient to determine the role of this variant in disease. Therefore, it has been classified as a Variant of Uncertain Significance.